The following is an entry in ClinVar:

NM_019032.6(ADAMTSL4):c.3079del (p.Gln1027fs)

Genes: ADAMTSL4 (ADAMTS like 4; plus strand), LOC129931410 (ATAC-STARR-seq lymphoblastoid active region 1691; plus strand). Cytogenetic location: 1q21.2.
Variant type: Deletion.
Coding change: c.3079del on transcript NM_019032.6 (MANE Select); coding-DNA position 3079, one base deleted (C; older notation c.3079delC).
Protein change: p.Gln1027fs; shifts the reading frame from glutamine 1027.
Molecular consequence: frameshift variant.
Genome position (GRCh38, 1-based): chr1:150,559,896, C deleted; the last of 2 consecutive C bases (chr1:150,559,895-150,559,896); deleting either gives the same sequence. VCF-style (leftmost placement, unchanged base first): chr1-150559894-GC-G. GRCh37 (hg19) VCF-style: chr1-150532370-GC-G.
Other names: c.2962del, p.Gln988fs (NM_001288607.2); c.3148del, p.Gln1050fs (NM_001288608.2); c.3079del, p.Gln1027fs (NM_001378596.1); short protein forms Q988fs, Q1027fs, Q1050fs.
Identifiers: ClinVar variation 2730366 (VCV002730366.3), dbSNP rs2526797389, ClinGen allele CA2697554528.

ClinVar aggregate classification (germline): Uncertain significance (1 of 4 stars; one submission).

Submission:

Labcorp Genetics (formerly Invitae), Labcorp
Classification: Uncertain significance. Last evaluated: 2023-06-27. Review status: criteria provided, single submitter. Criteria: Invitae Variant Classification Sherloc (09022015). Collection method: clinical testing. Allele origin: germline.
Comment: This sequence change results in a frameshift in the ADAMTSL4 gene (p.Gln1027Serfs*89). While this is not anticipated to result in nonsense mediated decay, it is expected to disrupt the last 48 amino acid(s) of the ADAMTSL4 protein and extend the protein by 40 additional amino acid residues. This variant is not present in population databases (gnomAD no frequency). This variant has not been reported in the literature in individuals affected with ADAMTSL4-related conditions. Experimental studies and prediction algorithms are not available or were not evaluated, and the functional significance of this variant is currently unknown. This variant disrupts a region of the ADAMTSL4 protein in which other variant(s) (p.Tyr1054Cys) have been observed in individuals with ADAMTSL4-related conditions (PMID: 20564469). This suggests that this is a clinically significant region of the protein, and that variants that disrupt it are likely to be disease-causing. In summary, the available evidence is currently insufficient to determine the role of this variant in disease. Therefore, it has been classified as a Variant of Uncertain Significance.

Literature cited by the submitters: PubMed 20564469.